The following is an entry in ClinVar:

NM_025144.4(ALPK1):c.689C>T (p.Pro230Leu)

Gene: ALPK1 (alpha kinase 1; plus strand). Cytogenetic location: 4q25.
Variant type: single nucleotide variant.
Coding change: c.689C>T on transcript NM_025144.4 (MANE Select); coding-DNA position 689, C replaced by T.
Protein change: p.Pro230Leu; replaces proline 230 with leucine.
Molecular consequence: missense variant.
Genome position (GRCh38, 1-based): chr4:112,426,533, C>T. VCF-style: chr4-112426533-C-T. GRCh37 (hg19) VCF-style: chr4-113347689-C-T.
Other names: c.689C>T, p.Pro230Leu (NM_001102406.2); c.455C>T, p.Pro152Leu (NM_001253884.2); c.689C>T (NM_025144.3); short protein forms P230L, P152L.
Identifiers: ClinVar variation 2956788 (VCV002956788.4), dbSNP rs761316245, ClinGen allele CA3046517.
Genomic context (GRCh38, chr4:112,426,533, plus strand): 5'-GGTACGAAGCAGCAGAGTTAATATGGGCCTCCATTGTAGGATATTTGGCACTTCCTCAGC[C>T]GGATAAAAAGGTGGTTTGTCTAGTGCTTCTTTTTCTCCTTTCCTGTATTTGTCTTTGGAT-3'
Protein context (NP_079420.3, residues 220-240): SIVGYLALPQ[Pro230Leu]DKKGLSTSLG

ClinVar aggregate classification (germline): Uncertain significance. Review status: criteria provided, multiple submitters, no conflicts (2 of 4 stars). 2 submissions from 2 submitters: Uncertain significance (2). Last evaluated 2025-08-23.

Conditions:
Inborn genetic diseases. Identifiers: MedGen C0950123, MeSH D030342.

Allele frequency attached by ClinVar (database versions not stated): ExAC 0.00001; gnomAD exomes 0.00002; gnomAD 0.00004; TOPMed 0.00007.
gnomAD v4.1: 30 of 1,574,790 alleles (0.0019%); highest among the groups gnomAD compares: Middle Eastern, 0.017%; no homozygotes.

Submissions (2):

Labcorp Genetics (formerly Invitae), Labcorp
Classification: Uncertain significance. Last evaluated: 2025-08-23. Review status: criteria provided, single submitter. Criteria: Invitae Variant Classification Sherloc (09022015). Collection method: clinical testing. Allele origin: germline.
Comment: This sequence change replaces proline, which is neutral and non-polar, with leucine, which is neutral and non-polar, at codon 230 of the ALPK1 protein (p.Pro230Leu). This variant is present in population databases (rs761316245, gnomAD 0.004%). This variant has not been reported in the literature in individuals affected with ALPK1-related conditions. ClinVar contains an entry for this variant (Variation ID: 2956788). Invitae Evidence Modeling of protein sequence and biophysical properties (such as structural, functional, and spatial information, amino acid conservation, physicochemical variation, residue mobility, and thermodynamic stability) indicates that this missense variant is expected to disrupt ALPK1 protein function with a positive predictive value of 80%. In summary, the available evidence is currently insufficient to determine the role of this variant in disease. Therefore, it has been classified as a Variant of Uncertain Significance.

Ambry Genetics
Classification: Uncertain significance for Inborn genetic diseases. Last evaluated: 2024-12-13. Review status: criteria provided, single submitter. Criteria: Ambry Variant Classification Scheme 2023. Collection method: clinical testing. Allele origin: germline.